The following is an entry in ClinVar:

ClinVar aggregate classification (germline): Uncertain significance (1 of 4 stars; one submission).

Conditions:
Hereditary cancer-predisposing syndrome. Also called: Neoplastic Syndromes, Hereditary; Tumor predisposition; Hereditary Cancer Syndrome; Hereditary neoplastic syndrome. Identifiers: Orphanet 140162, MedGen C0027672, MeSH D009386, MONDO:0015356.

gnomAD v4.1: 1 of 1,614,168 alleles (0.000062%); highest among the groups gnomAD compares: Non-Finnish European, 0.000085%; no homozygotes.

Submission:

Ambry Genetics
Classification: Uncertain significance for Hereditary cancer-predisposing syndrome. Last evaluated: 2017-09-28. Review status: criteria provided, single submitter. Criteria: Ambry Variant Classification Scheme 2023. Collection method: clinical testing. Allele origin: germline.
Comment: The p.T720K variant (also known as c.2159C>A), located in coding exon 4 of the MSH6 gene, results from a C to A substitution at nucleotide position 2159. The threonine at codon 720 is replaced by lysine, an amino acid with similar properties. This amino acid position is poorly conserved in available vertebrate species. In addition, this alteration is predicted to be tolerated by in silico analysis. Since supporting evidence is limited at this time, the clinical significance of this alteration remains unclear.

NM_000179.3(MSH6):c.2159C>A (p.Thr720Lys)

Gene: MSH6 (mutS homolog 6; plus strand). Cytogenetic location: 2p16.3.
Variant type: single nucleotide variant.
Coding change: c.2159C>A on transcript NM_000179.3 (MANE Select); coding-DNA position 2159, C replaced by A.
Protein change: p.Thr720Lys; replaces threonine 720 with lysine.
Molecular consequence: missense variant.
Genome position (GRCh38, 1-based): chr2:47,800,142, C>A. VCF-style: chr2-47800142-C-A. GRCh37 (hg19) VCF-style: chr2-48027281-C-A.
Other names: c.1769C>A, p.Thr590Lys (NM_001281492.2); c.1253C>A, p.Thr418Lys (NM_001281493.2, NM_001281494.2, NM_001406811.1 and 6 more transcripts); c.2255C>A, p.Thr752Lys (NM_001406795.1, NM_001406802.1); c.2159C>A, p.Thr720Lys (NM_001406796.1, NM_001406798.1, NM_001406800.1 and 3 more transcripts); c.1862C>A, p.Thr621Lys (NM_001406797.1, NM_001406801.1, NM_001406805.1 and 10 more transcripts); c.1634C>A, p.Thr545Lys (NM_001406799.1, NM_001406806.1, NM_001406807.1); c.2081C>A, p.Thr694Lys (NM_001406804.1); c.2165C>A, p.Thr722Lys (NM_001406813.1); and 1 more; short protein forms T418K, T590K, T621K, T720K, T545K, T664K, T694K, T722K.
Identifiers: ClinVar variation 1786848 (VCV001786848.2), dbSNP rs185531778, ClinGen allele CA346751140.